The following is an entry in ClinVar:

NM_024665.7(TBL1XR1):c.728G>A (p.Gly243Asp)

Genes: TBL1XR1 (TBL1X/Y related 1; minus strand), TBL1XR1-AS1 (TBL1XR1 antisense RNA 1; plus strand). Cytogenetic location: 3q26.32.
Variant type: single nucleotide variant.
Coding change: c.728G>A on transcript NM_024665.7 (MANE Select); coding-DNA position 728, G replaced by A.
Protein change: p.Gly243Asp; replaces glycine 243 with aspartic acid.
Molecular consequence: missense variant.
Genome position (GRCh38, 1-based): chr3:177,047,524, C>T on the plus strand (G>A on the coding strand, the complement: TBL1XR1 is on the minus strand). VCF-style: chr3-177047524-C-T. GRCh37 (hg19) VCF-style: chr3-176765312-C-T.
Other names: c.728G>A, p.Gly243Asp (NM_001321193.3, NM_001321194.3, NM_001374327.1 and 2 more transcripts); c.467G>A, p.Gly156Asp (NM_001321195.3, NM_001374330.1); short protein forms G156D, G243D.
Identifiers: ClinVar variation 1285415 (VCV001285415.1), dbSNP rs2108480284, ClinGen allele CA355552306.

ClinVar aggregate classification (germline): Likely pathogenic (1 of 4 stars; one submission).

Conditions:
Intellectual developmental disorder, autosomal dominant 41. Also called: Intellectual disability, autosomal dominant 41. Identifiers: Orphanet 2823, MedGen C4310784, MONDO:0014842, OMIM 616944.

Submission:

Institute of Human Genetics, University of Leipzig Medical Center
Classification: Likely pathogenic for Intellectual developmental disorder, autosomal dominant 41. Last evaluated: 2020-10-19. Review status: criteria provided, single submitter. Criteria: ACMG Guidelines, 2015. Collection method: clinical testing. Allele origin: de novo. Affected: yes.
Comment: This variant was identified as de novo (maternity and paternity confirmed).